The following is an entry in ClinVar:

ClinVar aggregate classification (germline): Uncertain significance (1 of 4 stars; one submission).

Submission:

Labcorp Genetics (formerly Invitae), Labcorp
Classification: Uncertain significance. Last evaluated: 2024-10-21. Review status: criteria provided, single submitter. Criteria: Invitae Variant Classification Sherloc (09022015). Collection method: clinical testing. Allele origin: germline.
Comment: This sequence change replaces arginine, which is basic and polar, with glutamine, which is neutral and polar, at codon 285 of the NDE1 protein (p.Arg285Gln). This variant is present in population databases (rs754926648, gnomAD 0.003%). This variant has not been reported in the literature in individuals affected with NDE1-related conditions. Invitae Evidence Modeling of protein sequence and biophysical properties (such as structural, functional, and spatial information, amino acid conservation, physicochemical variation, residue mobility, and thermodynamic stability) indicates that this missense variant is not expected to disrupt NDE1 protein function with a negative predictive value of 80%. In summary, the available evidence is currently insufficient to determine the role of this variant in disease. Therefore, it has been classified as a Variant of Uncertain Significance.

NM_017668.3(NDE1):c.854G>A (p.Arg285Gln)

Gene: NDE1 (nudE neurodevelopment protein 1; plus strand). Cytogenetic location: 16p13.11.
Variant type: single nucleotide variant.
Coding change: c.854G>A on transcript NM_017668.3 (MANE Select); coding-DNA position 854, G replaced by A.
Protein change: p.Arg285Gln; replaces arginine 285 with glutamine.
Molecular consequence: missense variant.
Genome position (GRCh38, 1-based): chr16:15,696,767, G>A. VCF-style: chr16-15696767-G-A. GRCh37 (hg19) VCF-style: chr16-15790624-G-A.
Other names: c.854G>A, p.Arg285Gln (NM_001143979.2); short protein forms R285Q.
Identifiers: ClinVar variation 3707110 (VCV003707110.2).